The following is an entry in ClinVar:

ClinVar aggregate classification (germline): Uncertain significance. Review status: criteria provided, multiple submitters, no conflicts (2 of 4 stars). 3 submissions from 3 submitters: Uncertain significance (3). Last evaluated 2024-03-06.

Conditions:
Myofibrillar myopathy 4. Also called: Zaspopathy (type). Identifiers: Orphanet 98912, MedGen C4721886, MONDO:0012277, OMIM 609452.

Allele frequency attached by ClinVar (database versions not stated): gnomAD exomes below 0.00001; gnomAD 0.00001.
gnomAD v4.1: 2 of 1,613,946 alleles (0.00012%); highest among the groups gnomAD compares: Non-Finnish European, 0.00017%; no homozygotes.

Submissions (3):

Blueprint Genetics
Classification: Uncertain significance. Last evaluated: 2024-03-06. Review status: criteria provided, single submitter. Criteria: ACMG Guidelines, 2015. Collection method: clinical testing. Allele origin: germline.

Labcorp Genetics (formerly Invitae), Labcorp
Classification: Uncertain significance for Myofibrillar myopathy 4. Last evaluated: 2023-10-08. Review status: criteria provided, single submitter. Criteria: Invitae Variant Classification Sherloc (09022015). Collection method: clinical testing. Allele origin: germline.
Comment: The LDB3 gene has multiple clinically relevant transcripts. This variant occurs in alternate transcript NM_007078.3, and corresponds to NM_001080116.1:c.*26844G>A in the primary transcript. This sequence change replaces glycine, which is neutral and non-polar, with aspartic acid, which is acidic and polar, at codon 687 of the LDB3 protein (p.Gly687Asp). The frequency data for this variant in the population databases is considered unreliable, as metrics indicate poor data quality at this position in the gnomAD database. This variant has not been reported in the literature in individuals affected with LDB3-related conditions. Experimental studies and prediction algorithms are not available or were not evaluated, and the functional significance of this variant is currently unknown. In summary, the available evidence is currently insufficient to determine the role of this variant in disease. Therefore, it has been classified as a Variant of Uncertain Significance.

GeneDx
Classification: Uncertain significance. Last evaluated: 2020-02-11. Review status: criteria provided, single submitter. Criteria: GeneDx Variant Classification Process June 2021. Collection method: clinical testing. Allele origin: germline. Affected: yes.
Comment: Has not been previously published as pathogenic or benign to our knowledge; Not observed at a significant frequency in large population cohorts (Lek et al., 2016); In silico analysis supports that this missense variant has a deleterious effect on protein structure/function

NM_007078.3(LDB3):c.2060G>A (p.Gly687Asp)

Gene: LDB3 (LIM domain binding 3; plus strand). Cytogenetic location: 10q23.2.
Variant type: single nucleotide variant.
Coding change: c.2060G>A on transcript NM_007078.3 (MANE Select); coding-DNA position 2060, G replaced by A.
Protein change: p.Gly687Asp; replaces glycine 687 with aspartic acid.
Molecular consequence: missense variant.
Genome position (GRCh38, 1-based): chr10:86,726,218, G>A. VCF-style: chr10-86726218-G-A. GRCh37 (hg19) VCF-style: chr10-88485975-G-A.
Other names: c.1730G>A, p.Gly577Asp (NM_001080114.2); c.2075G>A, p.Gly692Asp (NM_001171610.2); c.1871G>A, p.Gly624Asp (NM_001368064.1, NM_001368065.1); c.1919G>A, p.Gly640Asp (NM_001368066.1); short protein forms G577D, G624D, G640D, G687D, G692D.
Identifiers: ClinVar variation 1315444 (VCV001315444.6), dbSNP rs1230240655, ClinGen allele CA377457721.